The following is an entry in ClinVar:

NM_000393.5(COL5A2):c.3521C>T (p.Pro1174Leu)

Gene: COL5A2 (collagen type V alpha 2 chain; minus strand). Cytogenetic location: 2q32.2.
Variant type: single nucleotide variant.
Coding change: c.3521C>T on transcript NM_000393.5 (MANE Select); coding-DNA position 3521, C replaced by T.
Protein change: p.Pro1174Leu; replaces proline 1174 with leucine.
Molecular consequence: missense variant.
Genome position (GRCh38, 1-based): chr2:189,042,724, G>A on the plus strand (C>T on the coding strand, the complement: COL5A2 is on the minus strand). VCF-style: chr2-189042724-G-A. GRCh37 (hg19) VCF-style: chr2-189907450-G-A.
Other names: short protein forms P1174L.
Identifiers: ClinVar variation 2626095 (VCV002626095.2), dbSNP rs2469230641, ClinGen allele CA349860378.

ClinVar aggregate classification (germline): Uncertain significance (1 of 4 stars; one submission).

Conditions:
Familial thoracic aortic aneurysm and aortic dissection (TAAD). Also called: Thoracic aortic aneurysms and dissections. Identifiers: Orphanet 91387, MedGen C4707243, MONDO:0019625.

Submission:

Ambry Genetics
Classification: Uncertain significance for Familial thoracic aortic aneurysm and aortic dissection. Last evaluated: 2023-07-17. Review status: criteria provided, single submitter. Criteria: Ambry Variant Classification Scheme 2023. Collection method: clinical testing. Allele origin: germline.
Comment: The p.P1174L variant (also known as c.3521C>T), located in coding exon 49 of the COL5A2 gene, results from a C to T substitution at nucleotide position 3521. The proline at codon 1174 is replaced by leucine, an amino acid with similar properties. This amino acid position is well conserved in available vertebrate species. In addition, the in silico prediction for this alteration is inconclusive. Since supporting evidence is limited at this time, the clinical significance of this alteration remains unclear.